The following is an entry in ClinVar:

ClinVar aggregate classification (germline): Uncertain significance (1 of 4 stars; one submission).

Submission:

GeneDx
Classification: Uncertain significance. Last evaluated: 2024-05-03. Review status: criteria provided, single submitter. Criteria: GeneDx Variant Classification Process June 2021. Collection method: clinical testing. Allele origin: germline. Affected: yes.
Comment: Not observed at significant frequency in large population cohorts (gnomAD); In silico analysis supports that this missense variant has a deleterious effect on protein structure/function; Has not been previously published as pathogenic or benign to our knowledge

NM_001080517.3(SETD5):c.1112T>A (p.Leu371Gln)

Gene: SETD5 (SET domain containing 5; plus strand). Cytogenetic location: 3p25.3.
Variant type: single nucleotide variant.
Coding change: c.1112T>A on transcript NM_001080517.3 (MANE Select); coding-DNA position 1112, T replaced by A.
Protein change: p.Leu371Gln; replaces leucine 371 with glutamine.
Molecular consequence: missense variant.
Genome position (GRCh38, 1-based): chr3:9,443,342, T>A. VCF-style: chr3-9443342-T-A. GRCh37 (hg19) VCF-style: chr3-9485026-T-A.
Other names: c.818T>A, p.Leu273Gln (NM_001292043.2, NM_001349451.2); short protein forms L273Q, L371Q.
Identifiers: ClinVar variation 3376085 (VCV003376085.1).